The following is an entry in ClinVar:

ClinVar aggregate classification (germline): Likely pathogenic (1 of 4 stars; one submission).

Submission:

Labcorp Genetics (formerly Invitae), Labcorp
Classification: Likely pathogenic. Last evaluated: 2021-04-28. Review status: criteria provided, single submitter. Criteria: Invitae Variant Classification Sherloc (09022015). Collection method: clinical testing. Allele origin: germline.
Comment: In summary, the currently available evidence indicates that the variant is pathogenic, but additional data are needed to prove that conclusively. Therefore, this variant has been classified as Likely Pathogenic. This variant has not been reported in the literature in individuals with DNASE1L3-related conditions. This variant results in a copy number gain of the genomic region encompassing exon(s) 2-6 of the DNASE1L3 gene. While the exact position of this variant cannot be determined from the data, sub-genic copy number gains are generally in tandem (PMID: 25640679). This variant is predicted to be out-of-frame, and may result in an absent or disrupted protein product. Loss-of-function variants in DNASE1L3 are known to be pathogenic (PMID: 24206041, 27821515).

Literature cited by the submitters: PubMed 25640679; PubMed 24206041; PubMed 27821515.

NC_000003.11:g.(?_58183528)_(58194053_?)dup

Gene: DNASE1L3 (deoxyribonuclease 1L3; minus strand). Cytogenetic location: 3p14.3.
Variant type: Duplication.
Identifiers: ClinVar variation 1513774 (VCV001513774.4).